The following is an entry in ClinVar:

NM_001605.3(AARS1):c.997C>T (p.Arg333Ter)

Gene: AARS1 (alanyl-tRNA synthetase 1; minus strand). Cytogenetic location: 16q22.1.
Variant type: single nucleotide variant.
Coding change: c.997C>T on transcript NM_001605.3 (MANE Select); coding-DNA position 997, C replaced by T.
Protein change: p.Arg333Ter; replaces arginine 333 with a stop codon.
Molecular consequence: nonsense.
Genome position (GRCh38, 1-based): chr16:70,268,345, G>A on the plus strand (C>T on the coding strand, the complement: AARS1 is on the minus strand). VCF-style: chr16-70268345-G-A. GRCh37 (hg19) VCF-style: chr16-70302248-G-A.
Other names: c.997C>T (NM_001605.2); short protein forms R333*.
Identifiers: ClinVar variation 986918 (VCV000986918.7), dbSNP rs868097991, ClinGen allele CA283438611.

ClinVar aggregate classification (germline): Pathogenic/Likely pathogenic. Review status: criteria provided, multiple submitters, no conflicts (2 of 4 stars). 3 submissions from 3 submitters: Pathogenic (2); Likely pathogenic (1). Last evaluated 2025-12-24.

Conditions:
Charcot-Marie-Tooth disease type 2. Also called: Charcot-Marie-Tooth type 2. Identifiers: Orphanet 64746, MedGen C0270914, MONDO:0018993.

Allele frequency attached by ClinVar (database versions not stated): gnomAD exomes below 0.00001; TOPMed 0.00002.
gnomAD v4.1: 5 of 1,614,092 alleles (0.00031%); highest among the groups gnomAD compares: Admixed American, 0.0017%; no homozygotes.

Submissions (3):

Labcorp Genetics (formerly Invitae), Labcorp
Classification: Pathogenic for Charcot-Marie-Tooth disease type 2. Last evaluated: 2025-12-24. Review status: criteria provided, single submitter. Criteria: Invitae Variant Classification Sherloc (09022015). Collection method: clinical testing. Allele origin: germline.
Comment: This sequence change creates a premature translational stop signal (p.Arg333*) in the AARS gene. It is expected to result in an absent or disrupted protein product. Loss-of-function variants in AARS are known to be pathogenic (PMID: 25817015, 28493438, 34446925). This variant is present in population databases (no rsID available, gnomAD 0.003%). This premature translational stop signal has been observed in individual(s) with autosomal recessive developmental and epileptic encephalopathy (PMID: 34446925). ClinVar contains an entry for this variant (Variation ID: 986918). For these reasons, this variant has been classified as Pathogenic.

GeneDx
Classification: Pathogenic. Last evaluated: 2024-05-03. Review status: criteria provided, single submitter. Criteria: GeneDx Variant Classification Process June 2021. Collection method: clinical testing. Allele origin: germline. Affected: yes.
Comment: Nonsense variant predicted to result in protein truncation or nonsense mediated decay in a gene for which loss of function is a known mechanism of disease; Not observed at significant frequency in large population cohorts (gnomAD); This variant is associated with the following publications: (PMID: 34446925)

Institute of Medical Genetics and Applied Genomics, University Hospital Tübingen
Classification: Likely pathogenic. Last evaluated: 2020-10-23. Review status: criteria provided, single submitter. Criteria: ACMG Guidelines, 2015. Collection method: clinical testing. Allele origin: germline. Inheritance: Autosomal recessive inheritance. Affected: yes.

Literature cited by the submitters: PubMed 25817015 (cited by Labcorp Genetics (formerly Invitae), Labcorp); PubMed 28493438 (cited by Labcorp Genetics (formerly Invitae), Labcorp); PubMed 34446925 (cited by Labcorp Genetics (formerly Invitae), Labcorp).